The following is an entry in ClinVar:

ClinVar aggregate classification (germline): Uncertain significance (1 of 4 stars; one submission).

Submission:

Women's Health and Genetics/Laboratory Corporation of America, LabCorp
Classification: Uncertain significance. Last evaluated: 2023-06-22. Review status: criteria provided, single submitter. Criteria: LabCorp Variant Classification Summary - May 2015. Collection method: clinical testing. Allele origin: germline.
Comment: Variant summary: KDM6A c.-10C>G is located in the untranslated mRNA region upstream of the initiation codon. The variant was absent in 176444 control chromosomes. The available data on variant occurrences in the general population are insufficient to allow any conclusion about variant significance. To our knowledge, no occurrence of c.-10C>G in individuals affected with Kabuki Syndrome 2 and no experimental evidence demonstrating its impact on protein function have been reported. No submitters have cited clinical-significance assessments for this variant to ClinVar after 2014. Based on the evidence outlined above, the variant was classified as uncertain significance.

NM_001291415.2(KDM6A):c.-10C>G

Gene: KDM6A (lysine demethylase 6A; plus strand). Cytogenetic location: Xp11.3.
Variant type: single nucleotide variant.
Coding change: c.-10C>G on transcript NM_001291415.2 (MANE Select); 10 bases upstream of the start codon, C replaced by G.
Molecular consequence: 5 prime UTR variant. On other transcripts: non-coding transcript variant (1).
Genome position (GRCh38, 1-based): chrX:44,873,542, C>G. VCF-style: chrX-44873542-C-G. GRCh37 (hg19) VCF-style: chrX-44732788-C-G.
Other names: c.-10C>G (NM_001291416.2, NM_001291417.2, NM_001291418.2 and 9 more transcripts); c.-642C>G (NM_001291421.2).
Identifiers: ClinVar variation 2573600 (VCV002573600.1), dbSNP rs953398580, ClinGen allele CA2580617010.
Genomic context (GRCh38, chrX:44,873,542, plus strand): 5'-GGGGGCGTCACTGCGGGCCCCGGTCCGAGGGGGGGTGTCGGCGTTGGAGTTGTGAATTCG[C>G]TGCGTTTCCATGAAATCCTGCGGAGTGTCGCTCGCTACCGCCGCCGCTGCCGCCGCCGCT-3'